The following is an entry in ClinVar:

ClinVar aggregate classification (germline): Uncertain significance (1 of 4 stars; one submission).

Conditions:
Malan overgrowth syndrome (MALNS). Also called: NFIX-Related Malan Syndrome; MALAN SYNDROME; Sotos syndrome 2. Identifiers: Orphanet 420179, MedGen C3553660, MONDO:0013885, OMIM 614753.
Marshall-Smith syndrome (MRSHSS). Identifiers: Orphanet 561, MedGen C0265211, MONDO:0011244, OMIM 602535.

Submission:

Labcorp Genetics (formerly Invitae), Labcorp
Classification: Uncertain significance for Malan overgrowth syndrome; Marshall-Smith syndrome. Last evaluated: 2023-04-09. Review status: criteria provided, single submitter. Criteria: Invitae Variant Classification Sherloc (09022015). Collection method: clinical testing. Allele origin: germline.
Comment: In summary, the available evidence is currently insufficient to determine the role of this variant in disease. Therefore, it has been classified as a Variant of Uncertain Significance. Experimental studies and prediction algorithms are not available or were not evaluated, and the functional significance of this variant is currently unknown. This variant has not been reported in the literature in individuals affected with NFIX-related conditions. This variant is not present in population databases (gnomAD no frequency). This sequence change replaces methionine, which is neutral and non-polar, with threonine, which is neutral and polar, at codon 141 of the NFIX protein (p.Met141Thr).

NM_001365902.3(NFIX):c.398T>C (p.Met133Thr)

Gene: NFIX (nuclear factor I X; plus strand). Cytogenetic location: 19p13.13.
Variant type: single nucleotide variant.
Coding change: c.398T>C on transcript NM_001365902.3 (MANE Select); coding-DNA position 398, T replaced by C.
Protein change: p.Met133Thr; replaces methionine 133 with threonine.
Molecular consequence: missense variant.
Genome position (GRCh38, 1-based): chr19:13,025,391, T>C. VCF-style: chr19-13025391-T-C. GRCh37 (hg19) VCF-style: chr19-13136205-T-C.
Other names: c.422T>C, p.Met141Thr (NM_001271043.2); c.374T>C, p.Met125Thr (NM_001271044.3, NM_001378404.1); c.398T>C, p.Met133Thr (NM_001365982.2, NM_002501.4); c.257T>C, p.Met86Thr (NM_001365983.2); c.395T>C, p.Met132Thr (NM_001365984.2, NM_001365985.2); c.446T>C, p.Met149Thr (NM_001378405.1); short protein forms M149T, M132T, M125T, M133T, M141T, M86T.
Identifiers: ClinVar variation 2946405 (VCV002946405.3), dbSNP rs2512746313, ClinGen allele CA404314876.
Genomic context (GRCh38, chr19:13,025,391, plus strand): 5'-AGATCCGGCGGATTGACTGCCTGCGCCAGGCTGACAAGGTGTGGCGGCTGGACCTGGTCA[T>C]GGTGATTTTGTTTAAGGGGATCCCCCTGGAAAGTACTGATGGGGAGCGGCTCTACAAGTC-3'
Protein context (NP_001352831.1, residues 123-143): ADKVWRLDLV[Met133Thr]VILFKGIPLE